The following is an entry in ClinVar:

ClinVar aggregate classification (germline): Uncertain significance (1 of 4 stars; one submission).

gnomAD v4.1: 2 of 1,606,924 alleles (0.00012%); highest among the groups gnomAD compares: Non-Finnish European, 0.00017%; no homozygotes.

Submission:

CeGaT Center for Human Genetics Tuebingen
Classification: Uncertain significance. Last evaluated: 2022-07-01. Review status: criteria provided, single submitter. Criteria: CeGaT Center For Human Genetics Tuebingen Variant Classification Criteria Version 2. Collection method: clinical testing. Allele origin: germline. Affected: yes. Observed: 1 variant allele.
Comment: TTN: PM2

NM_001267550.2(TTN):c.48772A>G (p.Ile16258Val)

Genes: TTN (titin; minus strand), TTN-AS1 (TTN antisense RNA 1; plus strand), LOC126806426 (BRD4-independent group 4 enhancer GRCh37_chr2:179478848-179480047; plus strand). Cytogenetic location: 2q31.2.
Variant type: single nucleotide variant.
Coding change: c.48772A>G on transcript NM_001267550.2 (MANE Select); coding-DNA position 48772, A replaced by G.
Protein change: p.Ile16258Val; replaces isoleucine 16258 with valine.
Molecular consequence: missense variant. On other transcripts: non-coding transcript variant (1).
Genome position (GRCh38, 1-based): chr2:178,614,742, T>C on the plus strand (A>G on the coding strand, the complement: TTN is on the minus strand). VCF-style: chr2-178614742-T-C. GRCh37 (hg19) VCF-style: chr2-179479469-T-C.
Other names: c.43849A>G, p.Ile14617Val (NM_001256850.1); c.21577A>G, p.Ile7193Val (NM_003319.4); c.41068A>G, p.Ile13690Val (NM_133378.4); c.21952A>G, p.Ile7318Val (NM_133432.3); c.22153A>G, p.Ile7385Val (NM_133437.4); short protein forms I13690V, I14617V, I16258V, I7193V, I7318V, I7385V.
Identifiers: ClinVar variation 1701398 (VCV001701398.31), dbSNP rs2154201818, ClinGen allele CA349608043.
Genomic context (GRCh38, chr2:178,614,742, plus strand): 5'-GTTCAATCTTGGTCCCAGCTTTTACAGTGAGACCAGCAAGGAGCTTCACATCGAGGAAGA[T>C]TTCTGGGGCCTCTGAATTGGAAAAGATTATTTATGATGTTATCAAGTTCAAGCAGATTTA-3'
Protein context (NP_001254479.2, residues 16248-16268): QAVDTQEAPE[Ile16258Val]FLDVKLLAGL